The following is an entry in ClinVar:

ClinVar aggregate classification (germline): Uncertain significance. Review status: criteria provided, single submitter (1 of 4 stars). 2 submissions from 2 submitters: Uncertain significance (1). 1 of the submissions does not count toward it. Last evaluated 2016-12-27.

Conditions:
Marfan syndrome (MFS). Also called: Marfan syndrome, classic; Marfan syndrome type 1; Marfan's syndrome; MARFAN SYNDROME, TYPE I; FBN1-Related Marfan Syndrome. Identifiers: Orphanet 284963, Orphanet 558, MedGen C0024796, MONDO:0007947, OMIM 154700.
Familial thoracic aortic aneurysm and aortic dissection (TAAD). Also called: Thoracic aortic aneurysms and dissections. Identifiers: Orphanet 91387, MedGen C4707243, MONDO:0019625.

Submissions (2):

Labcorp Genetics (formerly Invitae), Labcorp
Classification: Uncertain significance for Marfan syndrome; Familial thoracic aortic aneurysm and aortic dissection. Last evaluated: 2016-12-27. Review status: criteria provided, single submitter. Criteria: Invitae Variant Classification Sherloc (09022015). Collection method: clinical testing. Allele origin: germline.
Comment: This sequence change replaces serine with arginine at codon 2660 of the FBN1 protein (p.Ser2660Arg). The serine residue is moderately conserved and there is a moderate physicochemical difference between serine and arginine. In summary, this variant is a rare missense change with uncertain impact on protein function. While it is absent from the population and reported in affected individuals, the available evidence is currently insufficient to determine its role in disease. Therefore, it has been classified as a Variant of Uncertain Significance. Algorithms developed to predict the effect of missense changes on protein structure and function do not agree on the potential impact of this missense change (SIFT: "Tolerated"; PolyPhen-2: "Possibly Damaging"; Align-GVGD: "Class C0"). This variant is not present in population databases (ExAC no frequency) and has not been reported in the literature in individuals with a FBN1-related disease. A different variant with the same protein effect (c.7978A>C, p.Ser2660Arg) has been observed in two related individuals diagnosed with Marfan syndrome using the Ghent criteria, findings that are highly specific for Marfan syndrome (PMID: 16835936).

Center for Medical Genetics Ghent, University of Ghent
Classification: Uncertain significance for Marfan syndrome. Last evaluated: 2017-11-07. Review status: no assertion criteria provided. Collection method: clinical testing. Allele origin: germline. Affected: yes. Not counted in ClinVar's aggregate classification.

Literature cited by the submitters: PubMed 16835936 (cited by Labcorp Genetics (formerly Invitae), Labcorp).

NM_000138.5(FBN1):c.7980C>G (p.Ser2660Arg)

Gene: FBN1 (fibrillin 1; minus strand). Cytogenetic location: 15q21.1.
Variant type: single nucleotide variant.
Coding change: c.7980C>G on transcript NM_000138.5 (MANE Select); coding-DNA position 7980, C replaced by G.
Protein change: p.Ser2660Arg; replaces serine 2660 with arginine.
Molecular consequence: missense variant.
Genome position (GRCh38, 1-based): chr15:48,415,607, G>C on the plus strand (C>G on the coding strand, the complement: FBN1 is on the minus strand). VCF-style: chr15-48415607-G-C. GRCh37 (hg19) VCF-style: chr15-48707804-G-C.
Other names: short protein forms S2660R.
Identifiers: ClinVar variation 406281 (VCV000406281.8), dbSNP rs1060501030, ClinGen allele CA16614480.
Genomic context (GRCh38, chr15:48,415,607, plus strand): 5'-GCGGAAGTAACCAGGTGGACAGCCACACAGGTAACCGCCCTCGGTATTGGAACAGCCATA[G>C]CTGCAGGGGGCCTGCGCAGAGCCACATTCATTGATGTCTTGGCATCCTCCACTGAACTGT-3'
Protein context (NP_000129.3, residues 2650-2670): NECGSAQAPC[Ser2660Arg]YGCSNTEGGY